The following is an entry in ClinVar:

NM_201253.3(CRB1):c.1862C>T (p.Thr621Ile)

Gene: CRB1 (crumbs cell polarity complex component 1; plus strand). Cytogenetic location: 1q31.3.
Variant type: single nucleotide variant.
Coding change: c.1862C>T on transcript NM_201253.3 (MANE Select); coding-DNA position 1862, C replaced by T.
Protein change: p.Thr621Ile; replaces threonine 621 with isoleucine.
Molecular consequence: missense variant. On other transcripts: non-coding transcript variant (1).
Genome position (GRCh38, 1-based): chr1:197,421,690, C>T. VCF-style: chr1-197421690-C-T. GRCh37 (hg19) VCF-style: chr1-197390820-C-T.
Other names: c.1526C>T, p.Thr509Ile (NM_001193640.2); c.1655C>T, p.Thr552Ile (NM_001257965.2); c.1862C>T, p.Thr621Ile (NM_001257966.2); short protein forms T509I, T552I, T621I.
Identifiers: ClinVar variation 1026149 (VCV001026149.7), dbSNP rs1450290360, ClinGen allele CA344032780.

ClinVar aggregate classification (germline): Uncertain significance. Review status: criteria provided, single submitter (1 of 4 stars). 2 submissions from 2 submitters: Uncertain significance (1). 1 of the submissions does not count toward it. Last evaluated 2022-02-05.

Conditions:
Retinitis pigmentosa 12 (RP12). Also called: RP WITH OR WITHOUT PRESERVED PARAARTERIOLE RETINAL PIGMENT EPITHELIUM; RETINITIS PIGMENTOSA WITH OR WITHOUT PARAARTERIOLAR PRESERVATION OF RETINAL PIGMENT EPITHELIUM; RP WITH OR WITHOUT PPRPE. Identifiers: Orphanet 791, MedGen C1838647, MONDO:0010818, OMIM 600105.
Leber congenital amaurosis 8 (LCA8). Identifiers: Orphanet 65, MedGen C3151202, MONDO:0013453, OMIM 613835.
Leber congenital amaurosis (LCA). Also called: Leber's amaurosis. Identifiers: Orphanet 65, MedGen C0339527, MeSH D057130, MONDO:0018998.

Allele frequency attached by ClinVar (database versions not stated): gnomAD exomes below 0.00001 and 0.00001; gnomAD 0.00001; TOPMed 0.00001.
gnomAD v4.1: 3 of 1,614,050 alleles (0.00019%); highest among the groups gnomAD compares: Middle Eastern, 0.016%; no homozygotes.

Submissions (2):

Labcorp Genetics (formerly Invitae), Labcorp
Classification: Uncertain significance for Leber congenital amaurosis 8; Retinitis pigmentosa 12. Last evaluated: 2022-02-05. Review status: criteria provided, single submitter. Criteria: Invitae Variant Classification Sherloc (09022015). Collection method: clinical testing. Allele origin: germline.
Comment: This sequence change replaces threonine, which is neutral and polar, with isoleucine, which is neutral and non-polar, at codon 621 of the CRB1 protein (p.Thr621Ile). This variant is present in population databases (no rsID available, gnomAD 0.02%). This variant has not been reported in the literature in individuals affected with CRB1-related conditions. ClinVar contains an entry for this variant (Variation ID: 1026149). Advanced modeling of protein sequence and biophysical properties (such as structural, functional, and spatial information, amino acid conservation, physicochemical variation, residue mobility, and thermodynamic stability) performed at Invitae indicates that this missense variant is not expected to disrupt CRB1 protein function. In summary, the available evidence is currently insufficient to determine the role of this variant in disease. Therefore, it has been classified as a Variant of Uncertain Significance.

Natera, Inc.
Classification: Uncertain significance for Leber congenital amaurosis. Last evaluated: 2020-12-03. Review status: no assertion criteria provided. Collection method: clinical testing. Allele origin: germline. Not counted in ClinVar's aggregate classification.